The following is an entry in ClinVar:

NM_133497.4(KCNV2):c.60G>A (p.Glu20=)

Gene: KCNV2 (potassium voltage-gated channel modifier subfamily V member 2; plus strand). Cytogenetic location: 9p24.2.
Variant type: single nucleotide variant.
Coding change: c.60G>A on transcript NM_133497.4 (MANE Select); coding-DNA position 60, G replaced by A.
Protein change: p.Glu20=; no amino-acid change (glutamic acid 20 retained).
Molecular consequence: synonymous variant.
Genome position (GRCh38, 1-based): chr9:2,717,799, G>A. VCF-style: chr9-2717799-G-A. GRCh37 (hg19) VCF-style: chr9-2717799-G-A.
Other names: c.60G>A (NM_133497.3).
Identifiers: ClinVar variation 1160660 (VCV001160660.10), dbSNP rs199939330, ClinGen allele CA4965303.
Genomic context (GRCh38, chr9:2,717,799, plus strand): 5'-CATGCTCAAACAGAGTGAGAGGAGACGGTCCTGGAGCTACAGGCCCTGGAACACGACGGA[G>A]AATGAGGGCAGCCAACACCGCAGGAGCATTTGCTCCCTGGGTGCCCGTTCCGGCTCCCAG-3'
Protein context (NP_598004.1, residues 10-30): SWSYRPWNTT[Glu20=]NEGSQHRRSI

ClinVar aggregate classification (germline): Likely benign. Review status: criteria provided, multiple submitters, no conflicts (2 of 4 stars). 2 submissions from 2 submitters: Likely benign (2). Last evaluated 2025-02-28.

Conditions:
KCNV2-related disorder. Also called: KCNV2-related condition.

Allele frequency attached by ClinVar (database versions not stated): gnomAD 0.00001 and 0.00003; 1000 Genomes Project 30x 0.00031; 1000 Genomes Project 0.00040.
gnomAD v4.1: 14 of 1,614,254 alleles (0.00087%); highest among the groups gnomAD compares: East Asian, 0.016%; no homozygotes.

Submissions (2):

PreventionGenetics, part of Exact Sciences
Classification: Likely benign for KCNV2-related condition. Last evaluated: 2025-02-28. Review status: criteria provided, single submitter. Criteria: ACMG Guidelines, 2015. Collection method: clinical testing. Allele origin: germline.
Comment: This variant is classified as likely benign based on ACMG/AMP sequence variant interpretation guidelines (Richards et al. 2015 PMID: 25741868, with internal and published modifications).

Labcorp Genetics (formerly Invitae), Labcorp
Classification: Likely benign. Last evaluated: 2024-10-15. Review status: criteria provided, single submitter. Criteria: Invitae Variant Classification Sherloc (09022015). Collection method: clinical testing. Allele origin: germline.